The following is an entry in ClinVar:

NM_016222.4(DDX41):c.1471G>A (p.Val491Ile)

Gene: DDX41 (DEAD-box helicase 41; minus strand). Cytogenetic location: 5q35.3.
Variant type: single nucleotide variant.
Coding change: c.1471G>A on transcript NM_016222.4 (MANE Select); coding-DNA position 1471, G replaced by A.
Protein change: p.Val491Ile; replaces valine 491 with isoleucine.
Molecular consequence: missense variant.
Genome position (GRCh38, 1-based): chr5:177,512,574, C>T on the plus strand (G>A on the coding strand, the complement: DDX41 is on the minus strand). VCF-style: chr5-177512574-C-T. GRCh37 (hg19) VCF-style: chr5-176939575-C-T.
Other names: c.1093G>A, p.Val365Ile (NM_001321732.2, NM_001321830.2); short protein forms V365I, V491I.
Identifiers: ClinVar variation 1313184 (VCV001313184.8), dbSNP rs757449267, ClinGen allele CA3584733.
Genomic context (GRCh38, chr5:177,512,574, plus strand): 5'-CTGGCATGTCATAATTGATGACGTGCTGGATGGCAGGGAAGTCCAGGCCCTTGGAGGCAA[C>T]GTCTGTGGCTACTAGGACATCCTTCTTGCCCTCCCGGAATGCCTCGATGGCCTTAGTCCG-3'
Protein context (NP_057306.2, residues 481-501): GKKDVLVATD[Val491Ile]ASKGLDFPAI

ClinVar aggregate classification (germline): Uncertain significance. Review status: criteria provided, multiple submitters, no conflicts (2 of 4 stars). 4 submissions from 4 submitters: Uncertain significance (4). Last evaluated 2026-09-22.

Conditions:
DDX41-related hematologic malignancy predisposition syndrome. Also called: DDX41-Associated Familial Myelodysplastic Syndrome and Acute Myeloid Leukemia; Myeloproliferative/lymphoproliferative neoplasms, familial (multiple types), susceptibility to. Identifiers: Orphanet 488647, MedGen C4225174, MONDO:0014809, OMIM 616871.
Inborn genetic diseases. Identifiers: MedGen C0950123, MeSH D030342.

Allele frequency attached by ClinVar (database versions not stated): gnomAD 0.00001 and 0.00002; TOPMed 0.00003; gnomAD exomes 0.00002 and 0.00007; ExAC 0.00013.
gnomAD v4.1: 47 of 1,614,056 alleles (0.0029%); highest among the groups gnomAD compares: Non-Finnish European, 0.003%; no homozygotes.

Submissions (4):

GeneDx
Classification: Uncertain significance. Last evaluated: 2026-09-22. Review status: criteria provided, single submitter. Criteria: GeneDx Variant Classification Process June 2021. Collection method: clinical testing. Allele origin: germline.
Comment: In silico analysis supports that this missense variant does not alter protein structure/function; This variant is associated with the following publications: (PMID: 33929502, 35671390, 37506341, 27721487)

Labcorp Genetics (formerly Invitae), Labcorp
Classification: Uncertain significance. Last evaluated: 2025-10-21. Review status: criteria provided, single submitter. Criteria: Invitae Variant Classification Sherloc (09022015). Collection method: clinical testing. Allele origin: germline.
Comment: This sequence change replaces valine, which is neutral and non-polar, with isoleucine, which is neutral and non-polar, at codon 491 of the DDX41 protein (p.Val491Ile). This variant is present in population databases (rs757449267, gnomAD 0.01%). This missense change has been observed in individual(s) with myeloproliferative neoplasm (PMID: 33929502, 35671390). ClinVar contains an entry for this variant (Variation ID: 1313184). An algorithm developed to predict the effect of missense changes on protein structure and function (PolyPhen-2) suggests that this variant is likely to be disruptive. In summary, the available evidence is currently insufficient to determine the role of this variant in disease. Therefore, it has been classified as a Variant of Uncertain Significance.

Ambry Genetics
Classification: Uncertain significance for Inborn genetic diseases. Last evaluated: 2024-09-11. Review status: criteria provided, single submitter. Criteria: Ambry Variant Classification Scheme 2023. Collection method: clinical testing. Allele origin: germline.
Comment: The p.V491I variant (also known as c.1471G>A), located in coding exon 14 of the DDX41 gene, results from a G to A substitution at nucleotide position 1471. The valine at codon 491 is replaced by isoleucine, an amino acid with highly similar properties. This amino acid position is highly conserved in available vertebrate species. In addition, the in silico prediction for this alteration is inconclusive. Based on the available evidence, the clinical significance of this variant remains unclear.

Baylor Genetics
Classification: Uncertain significance for DDX41-related hematologic malignancy predisposition syndrome. Last evaluated: 2024-02-13. Review status: criteria provided, single submitter. Criteria: ACMG Guidelines, 2015. Collection method: clinical testing. Allele origin: unknown.

Literature cited by the submitters: PubMed 33929502 (cited by Labcorp Genetics (formerly Invitae), Labcorp); PubMed 35671390 (cited by Labcorp Genetics (formerly Invitae), Labcorp).